The following is an entry in ClinVar:

NM_001378615.1(CC2D2A):c.4600T>G (p.Leu1534Val)

Genes: CC2D2A (coiled-coil and C2 domain containing 2A; plus strand), FBXL5 (F-box and leucine rich repeat protein 5; minus strand). Cytogenetic location: 4p15.32.
Variant type: single nucleotide variant.
Coding change: c.4600T>G on transcript NM_001378615.1 (MANE Select); coding-DNA position 4600, T replaced by G.
Protein change: p.Leu1534Val; replaces leucine 1534 with valine.
Molecular consequence: missense variant.
Genome position (GRCh38, 1-based): chr4:15,599,632, T>G. VCF-style: chr4-15599632-T-G. GRCh37 (hg19) VCF-style: chr4-15601255-T-G.
Other names: c.4600T>G, p.Leu1534Val (NM_001080522.2); c.4453T>G, p.Leu1485Val (NM_001378617.1); short protein forms L1534V, L1485V.
Identifiers: ClinVar variation 217614 (VCV000217614.7), dbSNP rs778858648, ClinGen allele CA210287.

ClinVar aggregate classification (germline): Conflicting classifications of pathogenicity. Review status: criteria provided, conflicting classifications (1 of 4 stars). 3 submissions from 3 submitters: Pathogenic (1); Uncertain significance (2). Last evaluated 2026-08-21.

Conditions:
Joubert syndrome 9 (JBTS9). Identifiers: Orphanet 2318, MedGen C2676788, MONDO:0012849, OMIM 612285.
Joubert syndrome. Also called: Familial aplasia of the vermis; JOUBERT-BOLTSHAUSER SYNDROME. Identifiers: Orphanet 475, MedGen C5979921, MONDO:0018772.
Meckel-Gruber syndrome. Also called: Dysencephalia splachnocystica; DYSENCEPHALIA SPLANCHNOCYSTICA; GRUBER SYNDROME. Identifiers: Orphanet 564, MedGen C0265215, MONDO:0018921.
Joubert syndrome and related disorders. Identifiers: Orphanet 140874, MedGen C5679612, MONDO:0015369.

Allele frequency attached by ClinVar (database versions not stated): gnomAD exomes below 0.00001 and 0.00001; ExAC 0.00001; gnomAD 0.00001; TOPMed 0.00001.
gnomAD v4.1: 2 of 1,613,480 alleles (0.00012%); highest among the groups gnomAD compares: African/African-American, 0.0027%; no homozygotes.

Submissions (3):

Myriad Genetics, Inc.
Classification: Uncertain significance for Joubert syndrome and related disorders. Last evaluated: 2026-08-21. Review status: criteria provided, single submitter. Criteria: Myriad Autosomal Dominant, Autosomal Recessive and X-Linked Classification Criteria (2023). Collection method: clinical testing. Allele origin: unknown.
Comment: NM_001080522.2(CC2D2A):c.4600T>G(L1534V) is a missense variant classified as a variant of uncertain significance in the context of CC2D2A-related disorders. L1534V has been observed in a case with relevant disease (PMID: 26092869). Relevant functional assessments of this variant are not available in the literature. L1534V has been observed in referenced population frequency databases. In summary, there is insufficient evidence to classify NM_001080522.2(CC2D2A):c.4600T>G(L1534V) as pathogenic or benign. Please note: this variant was assessed in the context of healthy population screening.

Labcorp Genetics (formerly Invitae), Labcorp
Classification: Uncertain significance for Joubert syndrome; Meckel-Gruber syndrome. Last evaluated: 2021-08-20. Review status: criteria provided, single submitter. Criteria: Invitae Variant Classification Sherloc (09022015). Collection method: clinical testing. Allele origin: germline.
Comment: This sequence change replaces leucine with valine at codon 1534 of the CC2D2A protein (p.Leu1534Val). The leucine residue is highly conserved and there is a small physicochemical difference between leucine and valine. This variant is present in population databases (rs778858648, ExAC 0.01%). This missense change has been observed in individuals with Joubert syndrome (PMID: 26092869). ClinVar contains an entry for this variant (Variation ID: 217614). Algorithms developed to predict the effect of missense changes on protein structure and function are either unavailable or do not agree on the potential impact of this missense change (SIFT: "Deleterious"; PolyPhen-2: "Probably Damaging"; Align-GVGD: "Class C0"). Algorithms developed to predict the effect of sequence changes on RNA splicing suggest that this variant may create or strengthen a splice site. In summary, the available evidence is currently insufficient to determine the role of this variant in disease. Therefore, it has been classified as a Variant of Uncertain Significance.

UW Hindbrain Malformation Research Program, University of Washington
Classification: Pathogenic for Joubert syndrome 9. Last evaluated: 2015-02-23. Review status: criteria provided, single submitter. Criteria: Bachmann-Gagescu et al. (J Med Genet. 2015). Collection method: research. Allele origin: unknown. Affected: yes.

Literature cited by the submitters: PubMed 26092869 (cited by Myriad Genetics, Inc. and Labcorp Genetics (formerly Invitae), Labcorp).